The following is an entry in ClinVar:

NM_020166.5(MCCC1):c.171_172del (p.Gly58fs)

Gene: MCCC1 (methylcrotonyl-CoA carboxylase subunit 1; minus strand). Cytogenetic location: 3q27.1.
Variant type: Microsatellite.
Coding change: c.171_172del on transcript NM_020166.5 (MANE Select); coding-DNA positions 171 to 172, 2 bases deleted (AG; older notation c.171_172delAG).
Protein change: p.Gly58fs; shifts the reading frame from glycine 58.
Molecular consequence: frameshift variant. On other transcripts: non-coding transcript variant (1), intron variant (2).
Genome position (GRCh38, 1-based): chr3:183,092,510-183,092,511, CT deleted on the plus strand (AG on the coding strand, the reverse complement: MCCC1 is on the minus strand); deleting any 2 consecutive bases within chr3:183,092,510-183,092,513 gives the same sequence; the c. name uses the placement nearest the transcript's 3' end. VCF-style (leftmost placement, unchanged base first): chr3-183092509-CCT-C. GRCh37 (hg19) VCF-style: chr3-182810297-CCT-C.
Other names: c.171_172del (NM_020166.4, NM_020166.3); c.-55+2048_-55+2049del (NM_001363880.1); c.44+2048_44+2049del (NM_001293273.2); short protein forms G58fs.
Identifiers: ClinVar variation 476395 (VCV000476395.14), dbSNP rs1311374961, ClinGen allele CA437096468.

ClinVar aggregate classification (germline): Pathogenic/Likely pathogenic. Review status: criteria provided, multiple submitters, no conflicts (2 of 4 stars). 5 submissions from 5 submitters: Pathogenic (2); Likely pathogenic (3). Last evaluated 2026-09-04.

Conditions:
MCCC1-related disorder. Also called: MCCC1-related condition.
3-methylcrotonyl-CoA carboxylase 1 deficiency (MCC1D). Also called: MCC 1 deficiency; 3 Alpha methylcrotonylglycinuria 1; MCCD TYPE 1; METHYLCROTONYLGLYCINURIA TYPE I. Identifiers: Orphanet 6, MedGen CN028786, MONDO:0008861, OMIM 210200.

Submissions (5):

PreventionGenetics, part of Exact Sciences
Classification: Likely pathogenic for MCCC1-related condition. Last evaluated: 2026-09-04. Review status: criteria provided, single submitter. Criteria: ACMG Guidelines, 2015. Collection method: clinical testing. Allele origin: germline.
Comment: The MCCC1 c.171_172delAG variant is predicted to result in a frameshift and premature protein termination (p.Gly58Argfs*22). To our knowledge this variant has not been reported in the literature. This variant is reported in 0.00088% of alleles in individuals of European (Non-Finnish) descent in gnomAD. Frameshift variants in MCCC1 are expected to be pathogenic. This variant is interpreted as likely pathogenic.

Labcorp Genetics (formerly Invitae), Labcorp
Classification: Pathogenic for 3-methylcrotonyl-CoA carboxylase 1 deficiency. Last evaluated: 2025-12-31. Review status: criteria provided, single submitter. Criteria: Invitae Variant Classification Sherloc (09022015). Collection method: clinical testing. Allele origin: germline.
Comment: This sequence change creates a premature translational stop signal (p.Gly58Argfs*22) in the MCCC1 gene. It is expected to result in an absent or disrupted protein product. Loss-of-function variants in MCCC1 are known to be pathogenic (PMID: 11181649, 15359379, 22642865). This variant is present in population databases (no rsID available, gnomAD 0.002%). This variant has not been reported in the literature in individuals affected with MCCC1-related conditions. ClinVar contains an entry for this variant (Variation ID: 476395). For these reasons, this variant has been classified as Pathogenic.

GeneDx
Classification: Pathogenic. Last evaluated: 2025-01-21. Review status: criteria provided, single submitter. Criteria: GeneDx Variant Classification Process June 2021. Collection method: clinical testing. Allele origin: germline. Affected: yes.
Comment: Frameshift variant predicted to result in protein truncation or nonsense mediated decay in a gene for which loss of function is a known mechanism of disease; Not observed at significant frequency in large population cohorts (gnomAD); Has not been previously published as pathogenic or benign to our knowledge

Natera, Inc.
Classification: Likely pathogenic for 3-methylcrotonyl-CoA carboxylase 1 deficiency. Last evaluated: 2024-10-17. Review status: criteria provided, single submitter. Criteria: Natera Variant Classification Schema (03/2026). Collection method: clinical testing. Allele origin: germline.
Comment: The c.171_172delAG variant in MCCC1 is a frameshift variant predicted to shift the reading frame beginning at codon 58 and leads to a stop codon 22 codons downstream. This variant is expected to result in nonsense mediated decay, truncation, or a dysfunctional protein product. This variant is rare in the general population with a frequency below the threshold expected for the associated phenotype(s). Given the available evidence, this variant is classified as Likely Pathogenic.

Baylor Genetics
Classification: Likely pathogenic for 3-methylcrotonyl-CoA carboxylase 1 deficiency. Last evaluated: 2024-01-16. Review status: criteria provided, single submitter. Criteria: ACMG Guidelines, 2015. Collection method: clinical testing. Allele origin: unknown.

Literature cited by the submitters: PubMed 11181649 (cited by Labcorp Genetics (formerly Invitae), Labcorp); PubMed 15359379 (cited by Labcorp Genetics (formerly Invitae), Labcorp); PubMed 22642865 (cited by Labcorp Genetics (formerly Invitae), Labcorp).